The following is an entry in ClinVar:

NM_001370259.2(MEN1):c.407_410dup (p.Ala138fs)

Gene: MEN1 (menin 1; minus strand). Cytogenetic location: 11q13.1.
Variant type: Duplication.
Coding change: c.407_410dup on transcript NM_001370259.2 (MANE Select); coding-DNA positions 407 to 410, 4 bases duplicated (ATCG; older notation c.407_410dupATCG).
Protein change: p.Ala138fs; shifts the reading frame from alanine 138.
Molecular consequence: frameshift variant. On other transcripts: non-coding transcript variant (4).
Genome position (GRCh38, 1-based): chr11:64,809,700-64,809,703, CGAT duplicated on the plus strand (ATCG on the coding strand, the reverse complement: MEN1 is on the minus strand); duplicating any 4 consecutive bases within chr11:64,809,700-64,809,704 gives the same sequence; the c. name uses the placement nearest the transcript's 3' end. VCF-style (leftmost placement, unchanged base first): chr11-64809699-C-CCGAT. GRCh37 (hg19) VCF-style: chr11-64577171-C-CCGAT.
Other names: c.407_410dup, p.Ala138fs (NM_000244.4, NM_001370260.2, NM_001370251.2 and 20 more transcripts); c.407_410dupATCG (NM_130799.2); short protein forms A138fs.
Identifiers: ClinVar variation 4646474 (VCV004646474.1).

ClinVar aggregate classification (germline): Pathogenic (1 of 4 stars; one submission).

Conditions:
Hereditary cancer-predisposing syndrome. Also called: Neoplastic Syndromes, Hereditary; Tumor predisposition; Hereditary Cancer Syndrome; Hereditary neoplastic syndrome. Identifiers: Orphanet 140162, MedGen C0027672, MeSH D009386, MONDO:0015356.

Submission:

Ambry Genetics
Classification: Pathogenic for Hereditary cancer-predisposing syndrome. Last evaluated: 2025-11-10. Review status: criteria provided, single submitter. Criteria: Ambry Variant Classification Scheme 2023. Collection method: clinical testing. Allele origin: germline.
Comment: The c.407_410dupATCG pathogenic mutation, located in coding exon 1 of the MEN1 gene, results from a duplication of ATCG at nucleotide position 407, causing a translational frameshift with a predicted alternate stop codon (p.A138Sfs*43). This variant was reported in individual(s) with features consistent with multiple endocrine neoplasia type 1 (Ambry internal data). This variant is considered to be rare based on population cohorts in the Genome Aggregation Database (gnomAD). This alteration is expected to result in loss of function by premature protein truncation or nonsense-mediated mRNA decay. As such, this alteration is interpreted as a disease-causing mutation.